The following is an entry in ClinVar:

NM_001164277.2(SLC37A4):c.229C>G (p.Arg77Gly)

Gene: SLC37A4 (solute carrier family 37 member 4; minus strand). Cytogenetic location: 11q23.3.
Variant type: single nucleotide variant.
Coding change: c.229C>G on transcript NM_001164277.2 (MANE Select); coding-DNA position 229, C replaced by G.
Protein change: p.Arg77Gly; replaces arginine 77 with glycine.
Molecular consequence: missense variant.
Genome position (GRCh38, 1-based): chr11:119,028,346, G>C on the plus strand (C>G on the coding strand, the complement: SLC37A4 is on the minus strand). VCF-style: chr11-119028346-G-C. GRCh37 (hg19) VCF-style: chr11-118899056-G-C.
Other names: c.229C>G, p.Arg77Gly (NM_001467.6, NM_001164278.2, NM_001164280.2); c.10C>G, p.Arg4Gly (NM_001164279.2); short protein forms R4G, R77G.
Identifiers: ClinVar variation 2769665 (VCV002769665.3), dbSNP rs1417623185, ClinGen allele CA382905862.

ClinVar aggregate classification (germline): Uncertain significance (1 of 4 stars; one submission).

Conditions:
Glucose-6-phosphate transport defect (GSD1B). Also called: Glycogen Storage Disease Type Ib; GSD Ib. Identifiers: Orphanet 364, Orphanet 79259, MedGen C0268146, MONDO:0009288, OMIM 232220.

Submission:

Labcorp Genetics (formerly Invitae), Labcorp
Classification: Uncertain significance for Glucose-6-phosphate transport defect. Last evaluated: 2023-10-17. Review status: criteria provided, single submitter. Criteria: Invitae Variant Classification Sherloc (09022015). Collection method: clinical testing. Allele origin: germline.
Comment: This sequence change replaces arginine, which is basic and polar, with glycine, which is neutral and non-polar, at codon 77 of the SLC37A4 protein (p.Arg77Gly). This variant is present in population databases (no rsID available, gnomAD 0.003%). This variant has not been reported in the literature in individuals affected with SLC37A4-related conditions. Advanced modeling of protein sequence and biophysical properties (such as structural, functional, and spatial information, amino acid conservation, physicochemical variation, residue mobility, and thermodynamic stability) performed at Invitae indicates that this missense variant is not expected to disrupt SLC37A4 protein function. In summary, the available evidence is currently insufficient to determine the role of this variant in disease. Therefore, it has been classified as a Variant of Uncertain Significance.